The following is an entry in ClinVar:

NM_018230.3(NUP133):c.3164T>C (p.Leu1055Ser)

Gene: NUP133 (nucleoporin 133; minus strand). Cytogenetic location: 1q42.13.
Variant type: single nucleotide variant.
Coding change: c.3164T>C on transcript NM_018230.3 (MANE Select); coding-DNA position 3164, T replaced by C.
Protein change: p.Leu1055Ser; replaces leucine 1055 with serine.
Molecular consequence: missense variant.
Genome position (GRCh38, 1-based): chr1:229,450,541, A>G on the plus strand (T>C on the coding strand, the complement: NUP133 is on the minus strand). VCF-style: chr1-229450541-A-G. GRCh37 (hg19) VCF-style: chr1-229586288-A-G.
Other names: short protein forms L1055S.
Identifiers: ClinVar variation 590320 (VCV000590320.5), dbSNP rs376476266, ClinGen allele CA1443097.

ClinVar aggregate classification (germline): Conflicting classifications of pathogenicity. Review status: criteria provided, conflicting classifications (1 of 4 stars). 3 submissions from 3 submitters: Likely pathogenic (1); Uncertain significance (1). 1 of the submissions does not count toward it. Last evaluated 2025-08-18.

Conditions:
Nephrotic syndrome, type 18. Identifiers: MedGen C4748549, MONDO:0032581, OMIM 618177.

Allele frequency attached by ClinVar (database versions not stated): TOPMed 0.00008; ESP Exome Variant Server 0.00031; ExAC 0.00006; gnomAD 0.00006; gnomAD exomes 0.00009 and 0.00006.
gnomAD v4.1: 145 of 1,582,800 alleles (0.0092%); highest among the groups gnomAD compares: Non-Finnish European, 0.011%; no homozygotes.

Submissions (3):

Labcorp Genetics (formerly Invitae), Labcorp
Classification: Uncertain significance. Last evaluated: 2025-08-18. Review status: criteria provided, single submitter. Criteria: Invitae Variant Classification Sherloc (09022015). Collection method: clinical testing. Allele origin: germline.
Comment: This sequence change replaces leucine, which is neutral and non-polar, with serine, which is neutral and polar, at codon 1055 of the NUP133 protein (p.Leu1055Ser). This variant is present in population databases (rs376476266, gnomAD 0.01%). This missense change has been observed in individual(s) with clinical features of nephrotic syndrome (PMID: 30179222). ClinVar contains an entry for this variant (Variation ID: 590320). An algorithm developed to predict the effect of missense changes on protein structure and function (PolyPhen-2) suggests that this variant is likely to be disruptive. In summary, the available evidence is currently insufficient to determine the role of this variant in disease. Therefore, it has been classified as a Variant of Uncertain Significance.

SIB Swiss Institute of Bioinformatics
Classification: Likely pathogenic for Nephrotic syndrome, type 18. Last evaluated: 2019-01-10. Review status: criteria provided, single submitter. Criteria: ACMG Guidelines, 2015. Collection method: curation. Allele origin: unknown.
Comment: This variant is interpreted as a Likely pathogenic for Nephrotic syndrome 18, autosomal recessive. The following ACMG Tag(s) were applied: PM2 => Absent from controls (or at extremely low frequency if recessive) in Exome Sequencing Project, 1000 Genomes Project, or Exome Aggregation Consortium. PS3 => Well-established functional studies show a deleterious effect (PMID:30179222). PP1 => Cosegregation with disease in multiple affected family members in a gene definitively known to cause the disease (PMID:30179222). PP3 => Multiple lines of computational evidence support a deleterious effect on the gene or gene product.

ClinGen:CA1443097

OMIM
Classification: Pathogenic for NEPHROTIC SYNDROME, TYPE 18. Last evaluated: 2018-11-12. Review status: no assertion criteria provided. Collection method: literature only. Allele origin: germline. Not counted in ClinVar's aggregate classification.

Literature cited by the submitters: PubMed 30179222 (cited by 3 submitters).